The following is an entry in ClinVar:

ClinVar aggregate classification (germline): Uncertain significance (1 of 4 stars; one submission).

Conditions:
Charcot-Marie-Tooth disease type 4. Also called: Charcot-Marie-Tooth disease, type IV; Charcot-Marie-Tooth, Type 4. Identifiers: Orphanet 64749, MedGen C4082197, MONDO:0018995.

Allele frequency attached by ClinVar (database versions not stated): gnomAD 0.00001.
gnomAD v4.1: 1 of 1,600,508 alleles (0.000062%); highest among the groups gnomAD compares: African/African-American, 0.0013%; no homozygotes.

Submission:

Labcorp Genetics (formerly Invitae), Labcorp
Classification: Uncertain significance for Charcot-Marie-Tooth disease type 4. Last evaluated: 2021-08-31. Review status: criteria provided, single submitter. Criteria: Invitae Variant Classification Sherloc (09022015). Collection method: clinical testing. Allele origin: germline.
Comment: This sequence change replaces histidine with glutamine at codon 386 of the SBF2 protein (p.His386Gln). The histidine residue is moderately conserved and there is a small physicochemical difference between histidine and glutamine. This variant is not present in population databases (ExAC no frequency). This variant has not been reported in the literature in individuals affected with SBF2-related conditions. Algorithms developed to predict the effect of missense changes on protein structure and function (SIFT, PolyPhen-2, Align-GVGD) all suggest that this variant is likely to be tolerated. In summary, the available evidence is currently insufficient to determine the role of this variant in disease. Therefore, it has been classified as a Variant of Uncertain Significance.

NM_030962.4(SBF2):c.1158T>G (p.His386Gln)

Gene: SBF2 (SET binding factor 2; minus strand). Cytogenetic location: 11p15.4.
Variant type: single nucleotide variant.
Coding change: c.1158T>G on transcript NM_030962.4 (MANE Select); coding-DNA position 1158, T replaced by G.
Protein change: p.His386Gln; replaces histidine 386 with glutamine.
Molecular consequence: missense variant.
Genome position (GRCh38, 1-based): chr11:9,992,999, A>C on the plus strand (T>G on the coding strand, the complement: SBF2 is on the minus strand). VCF-style: chr11-9992999-A-C. GRCh37 (hg19) VCF-style: chr11-10014546-A-C.
Other names: c.1158T>G, p.His386Gln (NM_001386339.1, NM_001386342.1); short protein forms H386Q.
Identifiers: ClinVar variation 862811 (VCV000862811.7), dbSNP rs780071398, ClinGen allele CA379637768.